The following is an entry in ClinVar:

NM_000137.4(FAH):c.295G>A (p.Asp99Asn)

Gene: FAH (fumarylacetoacetate hydrolase; plus strand). Cytogenetic location: 15q25.1.
Variant type: single nucleotide variant.
Coding change: c.295G>A on transcript NM_000137.4 (MANE Select); coding-DNA position 295, G replaced by A.
Protein change: p.Asp99Asn; replaces aspartic acid 99 with asparagine.
Molecular consequence: missense variant.
Genome position (GRCh38, 1-based): chr15:80,159,858, G>A. VCF-style: chr15-80159858-G-A. GRCh37 (hg19) VCF-style: chr15-80452200-G-A.
Other names: c.295G>A, p.Asp99Asn (NM_001374377.1, NM_001374380.1); short protein forms D99N.
Identifiers: ClinVar variation 837090 (VCV000837090.7), dbSNP rs1325951062, ClinGen allele CA393619119.

ClinVar aggregate classification (germline): Uncertain significance (1 of 4 stars; one submission).

Conditions:
Tyrosinemia type I (TYRSN1). Also called: Tyrosinemia type 1; Fumarylacetoacetase deficiency; Deficiency of fumarylacetoacetase; HEPATORENAL TYROSINEMIA; FAH DEFICIENCY. Identifiers: Orphanet 882, MedGen C0268490, MONDO:0010161, OMIM 276700. Disease mechanism: loss of function.

Allele frequency attached by ClinVar (database versions not stated): gnomAD exomes below 0.00001; TOPMed below 0.00001.
gnomAD v4.1: 1 of 1,614,244 alleles (0.000062%); highest among the groups gnomAD compares: African/African-American, 0.0013%; no homozygotes.

Submission:

Labcorp Genetics (formerly Invitae), Labcorp
Classification: Uncertain significance for Tyrosinemia type I. Last evaluated: 2021-09-01. Review status: criteria provided, single submitter. Criteria: Invitae Variant Classification Sherloc (09022015). Collection method: clinical testing. Allele origin: germline.
Comment: This sequence change replaces aspartic acid with asparagine at codon 99 of the FAH protein (p.Asp99Asn). The aspartic acid residue is moderately conserved and there is a small physicochemical difference between aspartic acid and asparagine. This variant is not present in population databases (ExAC no frequency). This variant has not been reported in the literature in individuals affected with FAH-related conditions. Algorithms developed to predict the effect of missense changes on protein structure and function (SIFT, PolyPhen-2, Align-GVGD) all suggest that this variant is likely to be tolerated. In summary, the available evidence is currently insufficient to determine the role of this variant in disease. Therefore, it has been classified as a Variant of Uncertain Significance.